The following is an entry in ClinVar:

ClinVar aggregate classification (germline): Uncertain significance (1 of 4 stars; one submission).

Conditions:
Granulomatous disease, chronic, autosomal recessive, cytochrome b-negative. Also called: GRANULOMATOUS DISEASE, CHRONIC, AUTOSOMAL RECESSIVE, 4; Chronic granulomatous disease, autosomal, due to deficiency of CYBA; CGD DUE TO DEFICIENCY OF THE ALPHA SUBUNIT OF CYTOCHROME b; CGD, AUTOSOMAL RECESSIVE CYTOCHROME b-NEGATIVE; CYBA DEFICIENCY. Identifiers: Orphanet 379, MedGen C1856255, MONDO:0009308, OMIM 233690.

Allele frequency attached by ClinVar (database versions not stated): ExAC 0.00009.
gnomAD v4.1: 14 of 1,533,086 alleles (0.00091%); highest among the groups gnomAD compares: African/African-American, 0.0014%; no homozygotes.

Submission:

Labcorp Genetics (formerly Invitae), Labcorp
Classification: Uncertain significance for Granulomatous disease, chronic, autosomal recessive, cytochrome b-negative. Last evaluated: 2021-09-02. Review status: criteria provided, single submitter. Criteria: Invitae Variant Classification Sherloc (09022015). Collection method: clinical testing. Allele origin: germline.
Comment: This sequence change replaces arginine with histidine at codon 127 of the CYBA protein (p.Arg127His). The arginine residue is moderately conserved and there is a small physicochemical difference between arginine and histidine. While this variant is present in population databases (rs755779683), the frequency information is unreliable, as metrics indicate poor data quality at this position in the ExAC database. This variant has not been reported in the literature in individuals affected with CYBA-related conditions. Algorithms developed to predict the effect of missense changes on protein structure and function output the following: SIFT: "Tolerated"; PolyPhen-2: "Benign"; Align-GVGD: "Class C0". The histidine amino acid residue is found in multiple mammalian species, which suggests that this missense change does not adversely affect protein function. In summary, the available evidence is currently insufficient to determine the role of this variant in disease. Therefore, it has been classified as a Variant of Uncertain Significance.

NM_000101.4(CYBA):c.380G>A (p.Arg127His)

Gene: CYBA (cytochrome b-245 alpha chain; minus strand). Cytogenetic location: 16q24.2.
Variant type: single nucleotide variant.
Coding change: c.380G>A on transcript NM_000101.4 (MANE Select); coding-DNA position 380, G replaced by A.
Protein change: p.Arg127His; replaces arginine 127 with histidine.
Molecular consequence: missense variant.
Genome position (GRCh38, 1-based): chr16:88,643,561, C>T on the plus strand (G>A on the coding strand, the complement: CYBA is on the minus strand). VCF-style: chr16-88643561-C-T. GRCh37 (hg19) VCF-style: chr16-88709969-C-T.
Other names: short protein forms R127H.
Identifiers: ClinVar variation 1405798 (VCV001405798.5), dbSNP rs755779683, ClinGen allele CA8228210.